The following is an entry in ClinVar:

ClinVar aggregate classification (germline): Benign. Review status: criteria provided, multiple submitters, no conflicts (2 of 4 stars). 2 submissions from 2 submitters: Benign (2). Last evaluated 2018-01-12.

Conditions:
Legius syndrome. Identifiers: Orphanet 137605, MedGen C1969623, MONDO:0012669, OMIM 611431. Disease mechanism: loss of function.

Allele frequency attached by ClinVar (database versions not stated): 1000 Genomes Project 0.16474; 1000 Genomes Project 30x 0.16755; TOPMed 0.21623; gnomAD 0.22340 and 0.22628; gnomAD exomes 0.50000.
gnomAD v4.1: 33,881 of 151,962 alleles (22%); highest among the groups gnomAD compares: Middle Eastern, 33%; 3,988 homozygotes.

Submissions (2):

Illumina Laboratory Services, Illumina
Classification: Benign for Legius syndrome. Last evaluated: 2018-01-12. Review status: criteria provided, single submitter. Criteria: ICSL Variant Classification Criteria 13 December 2019. Collection method: clinical testing. Allele origin: germline.
Comment: This variant was observed in the ICSL laboratory as part of a predisposition screen in an ostensibly healthy population. It had not been previously curated by ICSL or reported in the Human Gene Mutation Database (HGMD: prior to June 1st, 2018), and was therefore a candidate for classification through an automated scoring system. Utilizing variant allele frequency, disease prevalence and penetrance estimates, and inheritance mode, an automated score was calculated to assess if this variant is too frequent to cause the disease. Based on the score and internal cut-off values, a variant classified as benign is not then subjected to further curation. The score for this variant resulted in a classification of benign for this disease.

Breakthrough Genomics
Classification: Benign. Review status: criteria provided, single submitter. Criteria: ACMG Guidelines, 2015. Collection method: not provided. Allele origin: germline. Inheritance: Autosomal dominant inheritance. Affected: yes.

NM_152594.3(SPRED1):c.*3830G>A

Gene: SPRED1 (sprouty related EVH1 domain containing 1; plus strand). Cytogenetic location: 15q14.
Variant type: single nucleotide variant.
Coding change: c.*3830G>A on transcript NM_152594.3 (MANE Select); 3830 bases downstream of the stop codon, G replaced by A.
Molecular consequence: 3 prime UTR variant.
Genome position (GRCh38, 1-based): chr15:38,355,494, G>A. VCF-style: chr15-38355494-G-A. GRCh37 (hg19) VCF-style: chr15-38647695-G-A.
Identifiers: ClinVar variation 315774 (VCV000315774.6), dbSNP rs8039150, ClinGen allele CA10641702.